The following is an entry in ClinVar:

NM_020166.5(MCCC1):c.1970T>C (p.Ile657Thr)

Gene: MCCC1 (methylcrotonyl-CoA carboxylase subunit 1; minus strand). Cytogenetic location: 3q27.1.
Variant type: single nucleotide variant.
Coding change: c.1970T>C on transcript NM_020166.5 (MANE Select); coding-DNA position 1970, T replaced by C.
Protein change: p.Ile657Thr; replaces isoleucine 657 with threonine.
Molecular consequence: missense variant. On other transcripts: non-coding transcript variant (2).
Genome position (GRCh38, 1-based): chr3:183,020,137, A>G on the plus strand (T>C on the coding strand, the complement: MCCC1 is on the minus strand). VCF-style: chr3-183020137-A-G. GRCh37 (hg19) VCF-style: chr3-182737925-A-G.
Other names: c.1619T>C, p.Ile540Thr (NM_001293273.2); c.1643T>C, p.Ile548Thr (NM_001363880.1); short protein forms I548T, I657T, I540T.
Identifiers: ClinVar variation 1945810 (VCV001945810.5), dbSNP rs1194507396, ClinGen allele CA355315034.

ClinVar aggregate classification (germline): Uncertain significance (1 of 4 stars; one submission).

Conditions:
3-methylcrotonyl-CoA carboxylase 1 deficiency (MCC1D). Also called: MCCD TYPE 1; METHYLCROTONYLGLYCINURIA TYPE I; MCC 1 deficiency; 3 Alpha methylcrotonylglycinuria 1. Identifiers: Orphanet 6, MedGen CN028786, MONDO:0008861, OMIM 210200.

Allele frequency attached by ClinVar (database versions not stated): gnomAD exomes below 0.00001; gnomAD 0.00001.

Submission:

Labcorp Genetics (formerly Invitae), Labcorp
Classification: Uncertain significance for 3-methylcrotonyl-CoA carboxylase 1 deficiency. Last evaluated: 2022-05-08. Review status: criteria provided, single submitter. Criteria: Invitae Variant Classification Sherloc (09022015). Collection method: clinical testing. Allele origin: germline.
Comment: In summary, the available evidence is currently insufficient to determine the role of this variant in disease. Therefore, it has been classified as a Variant of Uncertain Significance. This sequence change replaces isoleucine, which is neutral and non-polar, with threonine, which is neutral and polar, at codon 657 of the MCCC1 protein (p.Ile657Thr). Algorithms developed to predict the effect of missense changes on protein structure and function are either unavailable or do not agree on the potential impact of this missense change (SIFT: "Deleterious"; PolyPhen-2: "Probably Damaging"; Align-GVGD: "Class C15"). This variant has not been reported in the literature in individuals affected with MCCC1-related conditions. This variant is present in population databases (no rsID available, gnomAD 0.005%).